The following is an entry in ClinVar:

NM_001042492.3(NF1):c.5422A>G (p.Thr1808Ala)

Gene: NF1 (neurofibromin 1; plus strand). Cytogenetic location: 17q11.2.
Variant type: single nucleotide variant.
Coding change: c.5422A>G on transcript NM_001042492.3 (MANE Select); coding-DNA position 5422, A replaced by G.
Protein change: p.Thr1808Ala; replaces threonine 1808 with alanine.
Molecular consequence: missense variant.
Genome position (GRCh38, 1-based): chr17:31,327,652, A>G. VCF-style: chr17-31327652-A-G. GRCh37 (hg19) VCF-style: chr17-29654670-A-G.
Other names: c.5359A>G, p.Thr1787Ala (NM_000267.4); short protein forms T1787A, T1808A.
Identifiers: ClinVar variation 1719953 (VCV001719953.6), dbSNP rs2151541307, ClinGen allele CA399009406.
Genomic context (GRCh38, chr17:31,327,652, plus strand): 5'-ATTGAAGAAATCTGCCTAGTAGATGAGAACCAGTTCACCTTAACCATTGCAAACCAGGGC[A>G]CGCCGCTCACCTTCATGCACCAGGAGTGTGAAGCCATTGTCCAGTCTATCATTCATATCC-3'
Protein context (NP_001035957.1, residues 1798-1818): QFTLTIANQG[Thr1808Ala]PLTFMHQECE

ClinVar aggregate classification (germline): Uncertain significance. Review status: criteria provided, multiple submitters, no conflicts (2 of 4 stars). 2 submissions from 2 submitters: Uncertain significance (2). Last evaluated 2025-07-16.

Conditions:
NF1-related disorder. Also called: NF1-related condition. Identifiers: MedGen CN379171.
Neurofibromatosis, type 1 (NF1). Also called: Peripheral type neurofibromatosis; VON RECKLINGHAUSEN DISEASE; NEUROFIBROMATOSIS, TYPE I, SOMATIC; Neurofibromatosis, type I. Identifiers: Orphanet 636, MedGen C0027831, MONDO:0018975, OMIM 162200. Disease mechanism: loss of function.

Submissions (2):

Labcorp Genetics (formerly Invitae), Labcorp
Classification: Uncertain significance for Neurofibromatosis, type 1. Last evaluated: 2025-07-16. Review status: criteria provided, single submitter. Criteria: Invitae Variant Classification Sherloc (09022015). Collection method: clinical testing. Allele origin: germline.
Comment: This sequence change replaces threonine, which is neutral and polar, with alanine, which is neutral and non-polar, at codon 1787 of the NF1 protein (p.Thr1787Ala). This variant is not present in population databases (gnomAD no frequency). This variant has not been reported in the literature in individuals affected with NF1-related conditions. ClinVar contains an entry for this variant (Variation ID: 1719953). Invitae Evidence Modeling of protein sequence and biophysical properties (such as structural, functional, and spatial information, amino acid conservation, physicochemical variation, residue mobility, and thermodynamic stability) indicates that this missense variant is not expected to disrupt NF1 protein function with a negative predictive value of 95%. In summary, the available evidence is currently insufficient to determine the role of this variant in disease. Therefore, it has been classified as a Variant of Uncertain Significance.

PreventionGenetics, part of Exact Sciences
Classification: Uncertain significance for NF1-related condition. Last evaluated: 2023-03-27. Review status: criteria provided, single submitter. Criteria: ACMG Guidelines, 2015. Collection method: clinical testing. Allele origin: germline.
Comment: The NF1 c.5422A>G variant is predicted to result in the amino acid substitution p.Thr1808Ala. To our knowledge, this variant has not been reported in the literature or in a large population database, indicating this variant is rare. At this time, the clinical significance of this variant is uncertain due to the absence of conclusive functional and genetic evidence.